The following is an entry in ClinVar:

NM_173630.4(RTTN):c.1413G>A (p.Met471Ile)

Gene: RTTN (rotatin; minus strand). Cytogenetic location: 18q22.2.
Variant type: single nucleotide variant.
Coding change: c.1413G>A on transcript NM_173630.4 (MANE Select); coding-DNA position 1413, G replaced by A.
Protein change: p.Met471Ile; replaces methionine 471 with isoleucine.
Molecular consequence: missense variant. On other transcripts: 5 prime UTR variant (1).
Genome position (GRCh38, 1-based): chr18:70,176,738, C>T on the plus strand (G>A on the coding strand, the complement: RTTN is on the minus strand). VCF-style: chr18-70176738-C-T. GRCh37 (hg19) VCF-style: chr18-67843974-C-T.
Other names: c.-1141G>A (NM_001318520.2); short protein forms M471I.
Identifiers: ClinVar variation 4776190 (VCV004776190.1).

ClinVar aggregate classification (germline): Uncertain significance (1 of 4 stars; one submission).

gnomAD v4.1: 2 of 1,613,998 alleles (0.00012%); highest among the groups gnomAD compares: Non-Finnish European, 0.00017%; no homozygotes.

Submission:

Labcorp Genetics (formerly Invitae), Labcorp
Classification: Uncertain significance. Last evaluated: 2026-01-04. Review status: criteria provided, single submitter. Criteria: Invitae Variant Classification Sherloc (09022015). Collection method: clinical testing. Allele origin: germline.
Comment: This sequence change replaces methionine, which is neutral and non-polar, with isoleucine, which is neutral and non-polar, at codon 471 of the RTTN protein (p.Met471Ile). This variant is not present in population databases (gnomAD no frequency). This variant has not been reported in the literature in individuals affected with RTTN-related conditions. Invitae Evidence Modeling of protein sequence and biophysical properties (such as structural, functional, and spatial information, amino acid conservation, physicochemical variation, residue mobility, and thermodynamic stability) indicates that this missense variant is not expected to disrupt RTTN protein function with a negative predictive value of 80%. In summary, the available evidence is currently insufficient to determine the role of this variant in disease. Therefore, it has been classified as a Variant of Uncertain Significance.